The following is an entry in ClinVar:

ClinVar aggregate classification (germline): Likely benign (1 of 4 stars; one submission).

Conditions:
MAP1B-related disorder. Also called: MAP1B-related condition.

Submission:

PreventionGenetics, part of Exact Sciences
Classification: Likely benign for MAP1B-related condition. Last evaluated: 2025-09-10. Review status: criteria provided, single submitter. Criteria: ACMG Guidelines, 2015. Collection method: clinical testing. Allele origin: germline.
Comment: This variant is classified as likely benign based on ACMG/AMP sequence variant interpretation guidelines (Richards et al. 2015 PMID: 25741868, with internal and published modifications).

NM_005909.5(MAP1B):c.7278A>C (p.Ser2426=)

Gene: MAP1B (microtubule associated protein 1B; plus strand). Cytogenetic location: 5q13.2.
Variant type: single nucleotide variant.
Coding change: c.7278A>C on transcript NM_005909.5 (MANE Select); coding-DNA position 7278, A replaced by C.
Protein change: p.Ser2426=; no amino-acid change (serine 2426 retained).
Molecular consequence: synonymous variant.
Genome position (GRCh38, 1-based): chr5:72,205,110, A>C. VCF-style: chr5-72205110-A-C. GRCh37 (hg19) VCF-style: chr5-71500937-A-C.
Other names: c.6900A>C, p.Ser2300= (NM_001324255.2).
Identifiers: ClinVar variation 4977171 (VCV004977171.1).
Genomic context (GRCh38, chr5:72,205,110, plus strand): 5'-CTTAAATAGCTATTTTTTTTTTCTCTCCCTGCAGGTGACACTGATCCCAACTCATGACTC[A>C]GAAGTGATGAGGGAATGGTACCAGGAGACCCATGAGAAACAGCAAGATCTCAACATCATG-3'
Protein context (NP_005900.2, residues 2416-2436): MQVTLIPTHD[Ser2426=]EVMREWYQET